The following is an entry in ClinVar:

ClinVar aggregate classification (germline): Uncertain significance (1 of 4 stars; one submission).

Conditions:
Bethlem myopathy 1A. Also called: Bethlem myopathy 1; MYOPATHY, BENIGN CONGENITAL, WITH CONTRACTURES; Bethlem Muscular Dystrophy. Identifiers: Orphanet 610, MedGen CN029274, MONDO:0024530, OMIM 158810.

Allele frequency attached by ClinVar (database versions not stated): TOPMed below 0.00001; gnomAD 0.00001; gnomAD exomes 0.00001; ExAC 0.00002.

Submission:

Labcorp Genetics (formerly Invitae), Labcorp
Classification: Uncertain significance for Bethlem myopathy 1A. Last evaluated: 2023-12-22. Review status: criteria provided, single submitter. Criteria: Invitae Variant Classification Sherloc (09022015). Collection method: clinical testing. Allele origin: germline.
Comment: This sequence change replaces glutamic acid, which is acidic and polar, with lysine, which is basic and polar, at codon 802 of the COL6A2 protein (p.Glu802Lys). This variant is present in population databases (rs756778355, gnomAD 0.003%). This variant has not been reported in the literature in individuals affected with COL6A2-related conditions. Advanced modeling of protein sequence and biophysical properties (such as structural, functional, and spatial information, amino acid conservation, physicochemical variation, residue mobility, and thermodynamic stability) performed at Invitae indicates that this missense variant is expected to disrupt COL6A2 protein function with a positive predictive value of 80%. In summary, the available evidence is currently insufficient to determine the role of this variant in disease. Therefore, it has been classified as a Variant of Uncertain Significance.

NM_001849.4(COL6A2):c.2404G>A (p.Glu802Lys)

Gene: COL6A2 (collagen type VI alpha 2 chain; plus strand). Cytogenetic location: 21q22.3.
Variant type: single nucleotide variant.
Coding change: c.2404G>A on transcript NM_001849.4 (MANE Select); coding-DNA position 2404, G replaced by A.
Protein change: p.Glu802Lys; replaces glutamic acid 802 with lysine.
Molecular consequence: missense variant.
Genome position (GRCh38, 1-based): chr21:46,126,219, G>A. VCF-style: chr21-46126219-G-A. GRCh37 (hg19) VCF-style: chr21-47546133-G-A.
Other names: c.2404G>A, p.Glu802Lys (NM_058174.3, NM_058175.3); short protein forms E802K.
Identifiers: ClinVar variation 2879862 (VCV002879862.3), dbSNP rs756778355, ClinGen allele CA10072550.